The following is an entry in ClinVar:

NM_001256071.3(RNF213):c.12248C>T (p.Pro4083Leu)

Genes: RNF213 (ring finger protein 213; plus strand), RNF213-AS1 (RNF213 antisense RNA 1; minus strand). Cytogenetic location: 17q25.3.
Variant type: single nucleotide variant.
Coding change: c.12248C>T on transcript NM_001256071.3 (MANE Select); coding-DNA position 12248, C replaced by T.
Protein change: p.Pro4083Leu; replaces proline 4083 with leucine.
Molecular consequence: missense variant.
Genome position (GRCh38, 1-based): chr17:80,369,594, C>T. VCF-style: chr17-80369594-C-T. GRCh37 (hg19) VCF-style: chr17-78343394-C-T.
Other names: short protein forms P4083L.
Identifiers: ClinVar variation 1342041 (VCV001342041.5), dbSNP rs371202144, ClinGen allele CA8822126.

ClinVar aggregate classification (germline): Uncertain significance. Review status: criteria provided, multiple submitters, no conflicts (2 of 4 stars). 2 submissions from 2 submitters: Uncertain significance (2). Last evaluated 2023-12-13.

Allele frequency attached by ClinVar (database versions not stated): gnomAD exomes 0.00001 and 0.00004; ExAC 0.00002; gnomAD 0.00003 and 0.00004; TOPMed 0.00003; ESP Exome Variant Server 0.00008.
gnomAD v4.1: 70 of 1,614,098 alleles (0.0043%); highest among the groups gnomAD compares: Non-Finnish European, 0.0056%; no homozygotes.

Submissions (2):

Labcorp Genetics (formerly Invitae), Labcorp
Classification: Uncertain significance. Last evaluated: 2023-12-13. Review status: criteria provided, single submitter. Criteria: Invitae Variant Classification Sherloc (09022015). Collection method: clinical testing. Allele origin: germline.
Comment: This sequence change replaces proline, which is neutral and non-polar, with leucine, which is neutral and non-polar, at codon 4083 of the RNF213 protein (p.Pro4083Leu). This variant is present in population databases (rs371202144, gnomAD 0.002%). This variant has not been reported in the literature in individuals affected with RNF213-related conditions. ClinVar contains an entry for this variant (Variation ID: 1342041). An algorithm developed to predict the effect of missense changes on protein structure and function (PolyPhen-2) suggests that this variant is likely to be disruptive. In summary, the available evidence is currently insufficient to determine the role of this variant in disease. Therefore, it has been classified as a Variant of Uncertain Significance.

GeneDx
Classification: Uncertain significance. Last evaluated: 2023-01-31. Review status: criteria provided, single submitter. Criteria: GeneDx Variant Classification Process June 2021. Collection method: clinical testing. Allele origin: germline. Affected: yes.
Comment: In silico analysis supports that this missense variant has a deleterious effect on protein structure/function; Has not been previously published as pathogenic or benign to our knowledge